The following is an entry in ClinVar:

NM_198880.3(QRICH1):c.1655del (p.Phe552fs)

Gene: QRICH1 (glutamine rich 1; minus strand). Cytogenetic location: 3p21.31.
Variant type: Deletion.
Coding change: c.1655del on transcript NM_198880.3 (MANE Select); coding-DNA position 1655, one base deleted (T; older notation c.1655delT).
Protein change: p.Phe552fs; shifts the reading frame from phenylalanine 552.
Molecular consequence: frameshift variant.
Genome position (GRCh38, 1-based): chr3:49,046,441, A deleted on the plus strand (T on the coding strand, the reverse complement: QRICH1 is on the minus strand); the first of 4 consecutive A bases (chr3:49,046,441-49,046,444); deleting any one gives the same sequence. VCF-style (leftmost placement, unchanged base first): chr3-49046440-GA-G. GRCh37 (hg19) VCF-style: chr3-49083873-GA-G.
Other names: c.1655del, p.Phe552fs (NM_001320581.2, NM_001320582.2, NM_001320583.2 and 4 more transcripts); short protein forms F552fs.
Identifiers: ClinVar variation 1329925 (VCV001329925.3), dbSNP rs2106862871, ClinGen allele CA2573052197.

ClinVar aggregate classification (germline): Likely pathogenic. Review status: criteria provided, multiple submitters, no conflicts (2 of 4 stars). 2 submissions from 2 submitters: Likely pathogenic (2). Last evaluated 2025-04-25.

Conditions:
Ververi-Brady syndrome. Identifiers: MedGen C4693824, MONDO:0979877, MONDO:0060707.

Submissions (2):

Institute of Human Genetics, University of Leipzig Medical Center
Classification: Likely pathogenic for Ververi-Brady syndrome 1. Last evaluated: 2025-04-25. Review status: criteria provided, single submitter. Criteria: ACMG Guidelines, 2015. Collection method: clinical testing. Allele origin: unknown. Inheritance: Autosomal dominant inheritance. Affected: yes.
Comment: Criteria applied: PVS1,PM2_SUP

Equipe Genetique des Anomalies du Developpement, Université de Bourgogne
Classification: Likely pathogenic for Ververi-Brady syndrome 1. Last evaluated: 2023-12-22. Review status: criteria provided, single submitter. Criteria: ACMG Guidelines, 2015. Collection method: clinical testing. Allele origin: maternal. Affected: yes.